The following is an entry in ClinVar:

NM_004006.3(DMD):c.1341_1342del (p.Arg447fs)

Gene: DMD (dystrophin; minus strand). Cytogenetic location: Xp21.1.
Variant type: Microsatellite.
Coding change: c.1341_1342del on transcript NM_004006.3 (MANE Select); coding-DNA positions 1341 to 1342, 2 bases deleted (AG; older notation c.1341_1342delAG).
Protein change: p.Arg447fs; shifts the reading frame from arginine 447.
Molecular consequence: frameshift variant.
Genome position (GRCh38, 1-based): chrX:32,614,443-32,614,444, CT deleted on the plus strand (AG on the coding strand, the reverse complement: DMD is on the minus strand); deleting any 2 consecutive bases within chrX:32,614,443-32,614,446 gives the same sequence; the c. name uses the placement nearest the transcript's 3' end. VCF-style (leftmost placement, unchanged base first): chrX-32614442-ACT-A. GRCh37 (hg19) VCF-style: chrX-32632559-ACT-A.
Other names: c.1317_1318del, p.Arg439fs (NM_000109.4); c.1329_1330del, p.Arg443fs (NM_004009.3); c.972_973del, p.Arg324fs (NM_004010.3); short protein forms R447fs, R324fs, R439fs, R443fs.
Identifiers: ClinVar variation 1357628 (VCV001357628.6), dbSNP rs398123856, ClinGen allele CA2580616952.

ClinVar aggregate classification (germline): Pathogenic (1 of 4 stars; one submission).

Conditions:
Duchenne muscular dystrophy (DMD). Also called: MUSCULAR DYSTROPHY, PSEUDOHYPERTROPHIC PROGRESSIVE, DUCHENNE TYPE; Duchenne Muscular Dystrophy (DMD). Identifiers: Orphanet 98896, MedGen C0013264, MONDO:0010679, OMIM 310200.

Submission:

Labcorp Genetics (formerly Invitae), Labcorp
Classification: Pathogenic for Duchenne muscular dystrophy. Last evaluated: 2024-12-18. Review status: criteria provided, single submitter. Criteria: Invitae Variant Classification Sherloc (09022015). Collection method: clinical testing. Allele origin: germline.
Comment: This sequence change creates a premature translational stop signal (p.Arg447Serfs*15) in the DMD gene. It is expected to result in an absent or disrupted protein product. Loss-of-function variants in DMD are known to be pathogenic (PMID: 16770791, 25007885). This variant is not present in population databases (gnomAD no frequency). This premature translational stop signal has been observed in individual(s) with DMD-related conditions (PMID: 16770791). For these reasons, this variant has been classified as Pathogenic.

Literature cited by the submitters: PubMed 16770791; PubMed 25007885.